The following is an entry in ClinVar:

ClinVar aggregate classification (germline): Uncertain significance. Review status: criteria provided, multiple submitters, no conflicts (2 of 4 stars). 2 submissions from 2 submitters: Uncertain significance (2). Last evaluated 2025-04-14.

Conditions:
Hereditary cancer-predisposing syndrome. Also called: Hereditary Cancer Syndrome; Hereditary neoplastic syndrome; Tumor predisposition; Neoplastic Syndromes, Hereditary. Identifiers: Orphanet 140162, MedGen C0027672, MeSH D009386, MONDO:0015356.
Peutz-Jeghers syndrome (PJS). Also called: POLYPOSIS, HAMARTOMATOUS INTESTINAL; POLYPS-AND-SPOTS SYNDROME; Peutz-Jeghers polyposis; Periorificial lentiginosis syndrome. Identifiers: Orphanet 2869, MedGen C0031269, MeSH D010580, MONDO:0008280, OMIM 175200.

Allele frequency attached by ClinVar (database versions not stated): gnomAD exomes below 0.00001.
gnomAD v4.1: 1 of 1,611,330 alleles (0.000062%); highest among the groups gnomAD compares: Non-Finnish European, 0.000085%; no homozygotes.

Submissions (2):

Ambry Genetics
Classification: Uncertain significance for Hereditary cancer-predisposing syndrome. Last evaluated: 2025-04-14. Review status: criteria provided, single submitter. Criteria: Ambry Variant Classification Scheme 2023. Collection method: clinical testing. Allele origin: germline.
Comment: The p.G381R variant (also known as c.1141G>A), located in coding exon 9 of the STK11 gene, results from a G to A substitution at nucleotide position 1141. The glycine at codon 381 is replaced by arginine, an amino acid with dissimilar properties. This amino acid position is not well conserved in available vertebrate species. In addition, this alteration is predicted to be tolerated by in silico analysis. Since supporting evidence is limited at this time, the clinical significance of this alteration remains unclear.

Labcorp Genetics (formerly Invitae), Labcorp
Classification: Uncertain significance for Peutz-Jeghers syndrome. Last evaluated: 2023-05-29. Review status: criteria provided, single submitter. Criteria: Invitae Variant Classification Sherloc (09022015). Collection method: clinical testing. Allele origin: germline.
Comment: In summary, the available evidence is currently insufficient to determine the role of this variant in disease. Therefore, it has been classified as a Variant of Uncertain Significance. Advanced modeling of protein sequence and biophysical properties (such as structural, functional, and spatial information, amino acid conservation, physicochemical variation, residue mobility, and thermodynamic stability) performed at Invitae indicates that this missense variant is not expected to disrupt STK11 protein function. ClinVar contains an entry for this variant (Variation ID: 458016). This variant has not been reported in the literature in individuals affected with STK11-related conditions. This variant is not present in population databases (gnomAD no frequency). This sequence change replaces glycine, which is neutral and non-polar, with arginine, which is basic and polar, at codon 381 of the STK11 protein (p.Gly381Arg).

NM_000455.5(STK11):c.1141G>A (p.Gly381Arg)

Gene: STK11 (serine/threonine kinase 11; plus strand). Cytogenetic location: 19p13.3.
Variant type: single nucleotide variant.
Coding change: c.1141G>A on transcript NM_000455.5 (MANE Select); coding-DNA position 1141, G replaced by A.
Protein change: p.Gly381Arg; replaces glycine 381 with arginine.
Molecular consequence: missense variant.
Genome position (GRCh38, 1-based): chr19:1,226,486, G>A. VCF-style: chr19-1226486-G-A. GRCh37 (hg19) VCF-style: chr19-1226485-G-A.
Other names: short protein forms G381R.
Identifiers: ClinVar variation 458016 (VCV000458016.12), dbSNP rs1555740086, ClinGen allele CA402953306.